The following is an entry in ClinVar:

NM_005257.6(GATA6):c.1135+9C>G

Gene: GATA6 (GATA binding protein 6; plus strand). Cytogenetic location: 18q11.2.
Variant type: single nucleotide variant.
Coding change: c.1135+9C>G on transcript NM_005257.6 (MANE Select); 9 bases into the intron after coding-DNA position 1135, C replaced by G.
Molecular consequence: intron variant.
Genome position (GRCh38, 1-based): chr18:22,172,288, C>G. VCF-style: chr18-22172288-C-G. GRCh37 (hg19) VCF-style: chr18-19752249-C-G.
Identifiers: ClinVar variation 412725 (VCV000412725.15), dbSNP rs76308670, ClinGen allele CA8908917.
Genomic context (GRCh38, chr18:22,172,288, plus strand): 5'-CTGCAGAGCCGCGCCGGAGCCCCGCTCCCGGTGCCCCGGGGTCCCAGTGCAGGTAAGGGT[C>G]GCGCCTCAGGTTCGGGGTGCGGGTCCAAAGCGCTGGGGCGCACGGGGGACGTGGAGCAGC-3'

ClinVar aggregate classification (germline): Benign/Likely benign. Review status: criteria provided, multiple submitters, no conflicts (2 of 4 stars). 4 submissions from 4 submitters: Benign (1); Likely benign (2). 1 of the submissions does not count toward it. Last evaluated 2026-01-20.

Conditions:
GATA6-related disorder. Also called: GATA6-related condition.
Atrioventricular septal defect 5 (AVSD5). Identifiers: MedGen C3280939, MONDO:0013769, OMIM 614474.

Allele frequency attached by ClinVar (database versions not stated): ExAC 0.00029; gnomAD 0.00045 and 0.00072; TOPMed 0.00095; gnomAD exomes 0.00139; 1000 Genomes Project 0.00399; 1000 Genomes Project 30x 0.00484.

Submissions (4):

Labcorp Genetics (formerly Invitae), Labcorp
Classification: Benign for Atrioventricular septal defect 5. Last evaluated: 2026-01-20. Review status: criteria provided, single submitter. Criteria: Invitae Variant Classification Sherloc (09022015). Collection method: clinical testing. Allele origin: germline.

Blueprint Genetics
Classification: Likely benign. Last evaluated: 2024-11-08. Review status: criteria provided, single submitter. Criteria: ACMG Guidelines, 2015. Collection method: clinical testing. Allele origin: germline.

GeneDx
Classification: Likely benign. Last evaluated: 2018-11-12. Review status: criteria provided, single submitter. Criteria: GeneDx Variant Classification Process June 2021. Collection method: clinical testing. Allele origin: germline. Affected: yes.

PreventionGenetics, part of Exact Sciences
Classification: Benign for GATA6-related condition. Last evaluated: 2024-07-17. Review status: no assertion criteria provided. Collection method: clinical testing. Allele origin: germline. Not counted in ClinVar's aggregate classification.
Comment: This variant is classified as benign based on ACMG/AMP sequence variant interpretation guidelines (Richards et al. 2015 PMID: 25741868, with internal and published modifications).